The following is an entry in ClinVar:

ClinVar aggregate classification (germline): Uncertain significance (1 of 4 stars; one submission).

Conditions:
Sulfite oxidase deficiency due to molybdenum cofactor deficiency type C. Also called: Molybdenum cofactor deficiency, complementation group C; Molybdenum cofactor deficiency C. Identifiers: Orphanet 308400, Orphanet 833, MedGen C1854990, MONDO:0014212, OMIM 615501.

Allele frequency attached by ClinVar (database versions not stated): TOPMed 0.00001.

Submission:

Labcorp Genetics (formerly Invitae), Labcorp
Classification: Uncertain significance for Sulfite oxidase deficiency due to molybdenum cofactor deficiency type C. Last evaluated: 2026-01-12. Review status: criteria provided, single submitter. Criteria: Invitae Variant Classification Sherloc (09022015). Collection method: clinical testing. Allele origin: germline.
Comment: This sequence change replaces methionine, which is neutral and non-polar, with leucine, which is neutral and non-polar, at codon 537 of the GPHN protein (p.Met537Leu). This variant is not present in population databases (gnomAD no frequency). This variant has not been reported in the literature in individuals affected with GPHN-related conditions. ClinVar contains an entry for this variant (Variation ID: 2144831). Invitae Evidence Modeling of protein sequence and biophysical properties (such as structural, functional, and spatial information, amino acid conservation, physicochemical variation, residue mobility, and thermodynamic stability) indicates that this missense variant is not expected to disrupt GPHN protein function with a negative predictive value of 80%. In summary, the available evidence is currently insufficient to determine the role of this variant in disease. Therefore, it has been classified as a Variant of Uncertain Significance.

NM_020806.5(GPHN):c.1609A>T (p.Met537Leu)

Gene: GPHN (gephyrin; plus strand). Cytogenetic location: 14q23.3.
Variant type: single nucleotide variant.
Coding change: c.1609A>T on transcript NM_020806.5 (MANE Select); coding-DNA position 1609, A replaced by T.
Protein change: p.Met537Leu; replaces methionine 537 with leucine.
Molecular consequence: missense variant.
Genome position (GRCh38, 1-based): chr14:67,113,154, A>T. VCF-style: chr14-67113154-A-T. GRCh37 (hg19) VCF-style: chr14-67579871-A-T.
Other names: c.1510A>T, p.Met504Leu (NM_001024218.2); c.1669A>T, p.Met557Leu (NM_001377514.1); c.1639A>T, p.Met547Leu (NM_001377515.1); c.1630A>T, p.Met544Leu (NM_001377516.1); c.1582A>T, p.Met528Leu (NM_001377517.1); c.1567A>T, p.Met523Leu (NM_001377518.1); c.1549A>T, p.Met517Leu (NM_001377519.1); short protein forms M528L, M544L, M504L, M517L, M557L, M523L, M547L, M537L.
Identifiers: ClinVar variation 2144831 (VCV002144831.4), dbSNP rs1348944648, ClinGen allele CA390258925.